The following is an entry in ClinVar:

NM_022489.4(INF2):c.1894T>C (p.Phe632Leu)

Gene: INF2 (inverted formin 2; plus strand). Cytogenetic location: 14q32.33.
Variant type: single nucleotide variant.
Coding change: c.1894T>C on transcript NM_022489.4 (MANE Select); coding-DNA position 1894, T replaced by C.
Protein change: p.Phe632Leu; replaces phenylalanine 632 with leucine.
Molecular consequence: missense variant.
Genome position (GRCh38, 1-based): chr14:104,708,677, T>C. VCF-style: chr14-104708677-T-C. GRCh37 (hg19) VCF-style: chr14-105175014-T-C.
Other names: c.1894T>C, p.Phe632Leu (NM_001031714.4); short protein forms F632L.
Identifiers: ClinVar variation 1983007 (VCV001983007.4), dbSNP rs2541926250, ClinGen allele CA391219004.

ClinVar aggregate classification (germline): Uncertain significance (1 of 4 stars; one submission).

Conditions:
Focal segmental glomerulosclerosis 5 (FSGS5). Identifiers: Orphanet 656, MedGen C2750475, MONDO:0013191, OMIM 613237.
Charcot-Marie-Tooth disease dominant intermediate E. Also called: CHARCOT-MARIE-TOOTH NEUROPATHY WITH FOCAL SEGMENTAL GLOMERULONEPHRITIS. Identifiers: Orphanet 93114, MedGen C4302667, MONDO:0013758, OMIM 614455.

Allele frequency attached by ClinVar (database versions not stated): gnomAD exomes below 0.00001.
gnomAD v4.1: 2 of 1,612,954 alleles (0.00012%); highest among the groups gnomAD compares: Non-Finnish European, 0.00017%; no homozygotes.

Submission:

Labcorp Genetics (formerly Invitae), Labcorp
Classification: Uncertain significance for Charcot-Marie-Tooth disease dominant intermediate E; Focal segmental glomerulosclerosis 5. Last evaluated: 2025-07-20. Review status: criteria provided, single submitter. Criteria: Invitae Variant Classification Sherloc (09022015). Collection method: clinical testing. Allele origin: germline.
Comment: This sequence change replaces phenylalanine, which is neutral and non-polar, with leucine, which is neutral and non-polar, at codon 632 of the INF2 protein (p.Phe632Leu). This variant is not present in population databases (gnomAD no frequency). This variant has not been reported in the literature in individuals affected with INF2-related conditions. ClinVar contains an entry for this variant (Variation ID: 1983007). Invitae Evidence Modeling of protein sequence and biophysical properties (such as structural, functional, and spatial information, amino acid conservation, physicochemical variation, residue mobility, and thermodynamic stability) indicates that this missense variant is not expected to disrupt INF2 protein function with a negative predictive value of 95%. In summary, the available evidence is currently insufficient to determine the role of this variant in disease. Therefore, it has been classified as a Variant of Uncertain Significance.